The following is an entry in ClinVar:

ClinVar aggregate classification (germline): Uncertain significance (1 of 4 stars; one submission).

Allele frequency attached by ClinVar (database versions not stated): ExAC 0.00008; ESP Exome Variant Server 0.00031.
gnomAD v4.1: 100 of 1,602,796 alleles (0.0062%); highest among the groups gnomAD compares: African/African-American, 0.063%; no homozygotes.

Submission:

Labcorp Genetics (formerly Invitae), Labcorp
Classification: Uncertain significance. Last evaluated: 2024-05-03. Review status: criteria provided, single submitter. Criteria: Invitae Variant Classification Sherloc (09022015). Collection method: clinical testing. Allele origin: germline.
Comment: This sequence change replaces glutamic acid, which is acidic and polar, with lysine, which is basic and polar, at codon 567 of the LAMA5 protein (p.Glu567Lys). This variant is present in population databases (rs146912525, gnomAD 0.06%). This variant has not been reported in the literature in individuals affected with LAMA5-related conditions. ClinVar contains an entry for this variant (Variation ID: 2077984). Algorithms developed to predict the effect of missense changes on protein structure and function output the following: SIFT: "Not Available"; PolyPhen-2: "Possibly Damaging"; Align-GVGD: "Not Available". The lysine amino acid residue is found in multiple mammalian species, which suggests that this missense change does not adversely affect protein function. In summary, the available evidence is currently insufficient to determine the role of this variant in disease. Therefore, it has been classified as a Variant of Uncertain Significance.

NM_005560.6(LAMA5):c.1699G>A (p.Glu567Lys)

Gene: LAMA5 (laminin subunit alpha 5; minus strand). Cytogenetic location: 20q13.33.
Variant type: single nucleotide variant.
Coding change: c.1699G>A on transcript NM_005560.6 (MANE Select); coding-DNA position 1699, G replaced by A.
Protein change: p.Glu567Lys; replaces glutamic acid 567 with lysine.
Molecular consequence: missense variant.
Genome position (GRCh38, 1-based): chr20:62,338,289, C>T on the plus strand (G>A on the coding strand, the complement: LAMA5 is on the minus strand). VCF-style: chr20-62338289-C-T. GRCh37 (hg19) VCF-style: chr20-60913345-C-T.
Other names: short protein forms E567K.
Identifiers: ClinVar variation 2077984 (VCV002077984.3), dbSNP rs146912525, ClinGen allele CA9943791.